The following is an entry in ClinVar:

ClinVar aggregate classification (germline): Likely benign (0 of 4 stars; one submission).

Conditions:
PTPRD-related disorder. Also called: PTPRD-related condition.

Allele frequency attached by ClinVar (database versions not stated): ESP Exome Variant Server 0.00008; gnomAD 0.00009; ExAC 0.00010; 1000 Genomes Project 0.00040; 1000 Genomes Project 30x 0.00062.

Submission:

PreventionGenetics, part of Exact Sciences
Classification: Likely benign for PTPRD-related condition. Last evaluated: 2019-04-01. Review status: no assertion criteria provided. Collection method: clinical testing. Allele origin: germline.
Comment: This variant is classified as likely benign based on ACMG/AMP sequence variant interpretation guidelines (Richards et al. 2015 PMID: 25741868, with internal and published modifications).

NM_002839.4(PTPRD):c.1122G>A (p.Ala374=)

Gene: PTPRD (protein tyrosine phosphatase receptor type D; minus strand). Cytogenetic location: 9p24.1.
Variant type: single nucleotide variant.
Coding change: c.1122G>A on transcript NM_002839.4 (MANE Select); coding-DNA position 1122, G replaced by A.
Protein change: p.Ala374=; no amino-acid change (alanine 374 retained).
Molecular consequence: synonymous variant.
Genome position (GRCh38, 1-based): chr9:8,518,269, C>T on the plus strand (G>A on the coding strand, the complement: PTPRD is on the minus strand). VCF-style: chr9-8518269-C-T. GRCh37 (hg19) VCF-style: chr9-8518269-C-T.
Other names: c.1113G>A, p.Ala371= (NM_001040712.2, NM_001377947.1); c.1092G>A, p.Ala364= (NM_001171025.2); c.1104G>A, p.Ala368= (NM_001377946.1, NM_130393.3); c.1122G>A, p.Ala374= (NM_001377958.1, NM_001378058.1, NM_130391.4 and 1 more transcripts).
Identifiers: ClinVar variation 3044977 (VCV003044977.2), dbSNP rs137892356, ClinGen allele CA4984582.